The following is an entry in ClinVar:

NM_014112.5(TRPS1):c.3434del (p.Pro1145fs)

Gene: TRPS1 (transcriptional repressor GATA binding 1; minus strand). Cytogenetic location: 8q23.3.
Variant type: Deletion.
Coding change: c.3434del on transcript NM_014112.5 (MANE Select); coding-DNA position 3434, one base deleted (C; older notation c.3434delC).
Protein change: p.Pro1145fs; shifts the reading frame from proline 1145.
Molecular consequence: frameshift variant.
Genome position (GRCh38, 1-based): chr8:115,414,474, G deleted on the plus strand (C on the coding strand, the reverse complement: TRPS1 is on the minus strand); the first of 2 consecutive G bases (chr8:115,414,474-115,414,475); deleting either gives the same sequence. VCF-style (leftmost placement, unchanged base first): chr8-115414473-AG-A. GRCh37 (hg19) VCF-style: chr8-116426701-AG-A.
Other names: c.3407del, p.Pro1136fs (NM_001282902.3); c.3413del, p.Pro1138fs (NM_001282903.3); c.3395del, p.Pro1132fs (NM_001330599.2); short protein forms P1132fs, P1136fs, P1145fs, P1138fs.
Identifiers: ClinVar variation 4784220 (VCV004784220.1).
Genomic context (GRCh38, chr8:115,414,473, plus strand): 5'-ATGAGGAGGCAGATTGAAGGTGGGATAAGGCACATAGTTTTGGCAAGGATTTGGTAGGCC[AG>A]GCACGTGACTCAAGTAGTGCGGATTCCCAGGAACGGAGAGCTTATATTTACTCCAGAACC-3'

ClinVar aggregate classification (germline): Pathogenic (1 of 4 stars; one submission).

Conditions:
Trichorhinophalangeal syndrome, type III (TRPS3). Also called: SUGIO-KAJII SYNDROME. Identifiers: Orphanet 77258, MedGen C1860823, OMIM 190351, MONDO:0008597.
Trichorhinophalangeal dysplasia type I (TRPS1). Also called: TRICHORHINOPHALANGEAL SYNDROME, TYPE I; TRPS I. Identifiers: Orphanet 77258, MedGen C0432233, MONDO:0008596, OMIM 190350.

Submission:

Labcorp Genetics (formerly Invitae), Labcorp
Classification: Pathogenic for Trichorhinophalangeal syndrome, type III; Trichorhinophalangeal dysplasia type I. Last evaluated: 2025-02-18. Review status: criteria provided, single submitter. Criteria: Invitae Variant Classification Sherloc (09022015). Collection method: clinical testing. Allele origin: germline.
Comment: This sequence change creates a premature translational stop signal (p.Pro1145Leufs*33) in the TRPS1 gene. While this is not anticipated to result in nonsense mediated decay, it is expected to disrupt the last 150 amino acid(s) of the TRPS1 protein. This variant is not present in population databases (gnomAD no frequency). This variant has not been reported in the literature in individuals affected with TRPS1-related conditions. This variant disrupts a region of the TRPS1 protein in which other variant(s) (p.Cys1233Tyr) have been determined to be pathogenic (PMID: 31884116; internal data). This suggests that this is a clinically significant region of the protein, and that variants that disrupt it are likely to be disease-causing. For these reasons, this variant has been classified as Pathogenic.

Literature cited by the submitters: PubMed 31884116.